The following is an entry in ClinVar:

ClinVar aggregate classification (germline): Conflicting classifications of pathogenicity. Review status: criteria provided, conflicting classifications (1 of 4 stars). 3 submissions from 3 submitters: Uncertain significance (2); Likely benign (1). Last evaluated 2026-06-15.

Conditions:
Hereditary cancer-predisposing syndrome. Also called: Neoplastic Syndromes, Hereditary; Tumor predisposition; Hereditary Cancer Syndrome; Hereditary neoplastic syndrome. Identifiers: Orphanet 140162, MedGen C0027672, MeSH D009386, MONDO:0015356.
Polyps, multiple and recurrent inflammatory fibroid, gastrointestinal. Identifiers: MedGen C5193005, MONDO:0008285, OMIM 175510.
Gastrointestinal stromal tumor. Also called: Gastrointestinal stromal tumor, somatic; Gastrointestinal stroma tumor. Identifiers: Orphanet 44890, MedGen C0238198, MeSH D046152, MONDO:0011719, OMIM 606764, HP:0100723.

Allele frequency attached by ClinVar (database versions not stated): gnomAD exomes below 0.00001; TOPMed below 0.00001.
gnomAD v4.1: 2 of 1,543,410 alleles (0.00013%); highest among the groups gnomAD compares: Non-Finnish European, 0.00018%; no homozygotes.

Submissions (3):

Myriad Genetics, Inc.
Classification: Likely benign for Polyps, multiple and recurrent inflammatory fibroid, gastrointestinal. Last evaluated: 2026-06-15. Review status: criteria provided, single submitter. Criteria: Myriad Autosomal Dominant, Autosomal Recessive and X-Linked Classification Criteria (2023). Collection method: clinical testing. Allele origin: unknown.
Comment: This variant is considered likely benign. This variant is intronic and is not expected to impact mRNA splicing.

Labcorp Genetics (formerly Invitae), Labcorp
Classification: Uncertain significance for Gastrointestinal stromal tumor. Last evaluated: 2025-11-08. Review status: criteria provided, single submitter. Criteria: Invitae Variant Classification Sherloc (09022015). Collection method: clinical testing. Allele origin: germline.
Comment: This sequence change falls in intron 14 of the PDGFRA gene. It does not directly change the encoded amino acid sequence of the PDGFRA protein. It affects a nucleotide within the consensus splice site. This variant is not present in population databases (gnomAD no frequency). This variant has not been reported in the literature in individuals affected with PDGFRA-related conditions. ClinVar contains an entry for this variant (Variation ID: 850556). Variants that disrupt the consensus splice site are a relatively common cause of aberrant splicing (PMID: 17576681, 9536098). Algorithms developed to predict the effect of sequence changes on RNA splicing suggest that this variant is not likely to affect RNA splicing. In summary, the available evidence is currently insufficient to determine the role of this variant in disease. Therefore, it has been classified as a Variant of Uncertain Significance.

Sema4
Classification: Uncertain significance for Hereditary cancer-predisposing syndrome. Last evaluated: 2021-06-01. Review status: criteria provided, single submitter. Criteria: Sema4 Curation Guidelines. Collection method: curation. Allele origin: germline.
Comment: The PDGFRA c.2002+6C>T variant has not been reported in the literature to our knowledge. It was not observed in the large and broad cohorts of the Genome Aggregation Database (PMID: 32461654) but has been reported in ClinVar (Variation ID 850556). In silico tools predict the variant does not impact splicing, though these predictions have not been confirmed by functional studies. The evidence is insufficient to meet ACMG/AMP criteria for classifying the variant as benign or pathogenic. Thus, the clinical significance of this variant is currently uncertain.

Literature cited by the submitters: PubMed 17576681 (cited by Labcorp Genetics (formerly Invitae), Labcorp); PubMed 9536098 (cited by Labcorp Genetics (formerly Invitae), Labcorp).

NM_006206.6(PDGFRA):c.2002+6C>T

Gene: PDGFRA (platelet derived growth factor receptor alpha; plus strand). Cytogenetic location: 4q12.
Variant type: single nucleotide variant.
Coding change: c.2002+6C>T on transcript NM_006206.6 (MANE Select); 6 bases into the intron after coding-DNA position 2002, C replaced by T.
Molecular consequence: intron variant.
Genome position (GRCh38, 1-based): chr4:54,278,012, C>T. VCF-style: chr4-54278012-C-T. GRCh37 (hg19) VCF-style: chr4-55144179-C-T.
Other names: c.2077+6C>T (NM_001347828.2); c.2002+6C>T (NM_001347827.2, NM_001347829.2); c.2041+6C>T (NM_001347830.2).
Identifiers: ClinVar variation 850556 (VCV000850556.12), dbSNP rs1333764312, ClinGen allele CA796317341.
Genomic context (GRCh38, chr4:54,278,012, plus strand): 5'-CACCTGGGGCCACATTTGAACATTGTAAACTTGCTGGGAGCCTGCACCAAGTCAGGTGGG[C>T]TCACTGACCTGGAGTGAGGATTTTCACTGGACACATGTGGTTGTGAAAACTGTTCAATCA-3'